The following is an entry in ClinVar:

NM_001267550.2(TTN):c.71883T>C (p.Val23961=)

Genes: TTN (titin; minus strand), TTN-AS1 (TTN antisense RNA 1; plus strand). Cytogenetic location: 2q31.2.
Variant type: single nucleotide variant.
Coding change: c.71883T>C on transcript NM_001267550.2 (MANE Select); coding-DNA position 71883, T replaced by C.
Protein change: p.Val23961=; no amino-acid change (valine 23961 retained).
Molecular consequence: synonymous variant.
Genome position (GRCh38, 1-based): chr2:178,574,249, A>G on the plus strand (T>C on the coding strand, the complement: TTN is on the minus strand). VCF-style: chr2-178574249-A-G. GRCh37 (hg19) VCF-style: chr2-179438976-A-G.
Other names: c.66960T>C, p.Val22320= (NM_001256850.1); c.44688T>C, p.Val14896= (NM_003319.4); c.64179T>C, p.Val21393= (NM_133378.4); c.45063T>C, p.Val15021= (NM_133432.3); c.45264T>C, p.Val15088= (NM_133437.4).
Identifiers: ClinVar variation 332788 (VCV000332788.66), dbSNP rs368692510, ClinGen allele CA1990574.

ClinVar aggregate classification (germline): Conflicting classifications of pathogenicity. Review status: criteria provided, conflicting classifications (1 of 4 stars). 16 submissions from 12 submitters: Uncertain significance (3); Benign (1); Likely benign (7). 5 of the submissions do not count toward it. Last evaluated 2026-02-20.

Conditions:
Early-onset myopathy with fatal cardiomyopathy (CMYO5). Also called: CONGENITAL MYOPATHY 5 WITH CARDIOMYOPATHY; Salih Myopathy. Identifiers: Orphanet 289377, MedGen C2673677, MONDO:0012714, OMIM 611705. Disease mechanism: loss of function.
Tibial muscular dystrophy (TMD). Also called: Udd Distal Myopathy – Tibial Muscular Dystrophy; UDD MYOPATHY; Tibial muscular dystrophy, tardive. Identifiers: Orphanet 609, MedGen C1838244, MONDO:0010870, OMIM 600334.
Cardiovascular phenotype. Identifiers: MedGen CN230736.
Dilated cardiomyopathy 1G (CMD1G). Identifiers: Orphanet 154, MedGen C1858763, MONDO:0011400, OMIM 604145.
Autosomal recessive limb-girdle muscular dystrophy type 2J (LGMDR10). Also called: MUSCULAR DYSTROPHY, LIMB-GIRDLE, AUTOSOMAL RECESSIVE 10; Limb-girdle muscular dystrophy, type 2J. Identifiers: Orphanet 140922, MedGen C1837342, MONDO:0012127, OMIM 608807.
Myopathy, myofibrillar, 9, with early respiratory failure (MFM9). Also called: Myopathy, distal, with early respiratory failure, autosomal dominant; EDSTROM MYOPATHY; Hereditary myopathy with early respiratory failure; MYOPATHY, PROXIMAL, WITH EARLY RESPIRATORY MUSCLE INVOLVEMENT. Identifiers: Orphanet 178464, Orphanet 34521, MedGen C1863599, MONDO:0011362, OMIM 603689.

Allele frequency attached by ClinVar (database versions not stated): ExAC 0.00005; gnomAD exomes 0.00005 and 0.00018; gnomAD 0.00013; TOPMed 0.00014; 1000 Genomes Project 30x 0.00016; ESP Exome Variant Server 0.00017; 1000 Genomes Project 0.00020.
gnomAD v4.1: 305 of 1,612,890 alleles (0.019%); highest among the groups gnomAD compares: Non-Finnish European, 0.023%; no homozygotes.

Submissions (16):

Women's Health and Genetics/Laboratory Corporation of America, LabCorp
Classification: Likely benign. Last evaluated: 2026-02-20. Review status: criteria provided, single submitter. Criteria: LabCorp Variant Classification Summary - May 2015. Collection method: clinical testing. Allele origin: germline.

Labcorp Genetics (formerly Invitae), Labcorp
Classification: Likely benign for Dilated cardiomyopathy 1G; Autosomal recessive limb-girdle muscular dystrophy type 2J. Last evaluated: 2026-01-26. Review status: criteria provided, single submitter. Criteria: Invitae Variant Classification Sherloc (09022015). Collection method: clinical testing. Allele origin: germline.

CeGaT Center for Human Genetics Tuebingen
Classification: Likely benign. Last evaluated: 2025-02-01. Review status: criteria provided, single submitter. Criteria: CeGaT Center For Human Genetics Tuebingen Variant Classification Criteria Version 2. Collection method: clinical testing. Allele origin: germline. Affected: yes. Observed: 4 variant alleles.
Comment: TTN: BP4, BP7

Blueprint Genetics
Classification: Likely benign. Last evaluated: 2024-09-03. Review status: criteria provided, single submitter. Criteria: ACMG Guidelines, 2015. Collection method: clinical testing. Allele origin: germline.

Ambry Genetics
Classification: Likely benign for Cardiovascular phenotype. Last evaluated: 2020-03-23. Review status: criteria provided, single submitter. Criteria: Ambry Variant Classification Scheme 2023. Collection method: clinical testing. Allele origin: germline.

Illumina Laboratory Services, Illumina
Classification: Uncertain significance for Autosomal recessive limb-girdle muscular dystrophy type 2J. Last evaluated: 2018-01-13. Review status: criteria provided, single submitter. Criteria: ICSL Variant Classification Criteria 13 December 2019. Collection method: clinical testing. Allele origin: germline.

Illumina Laboratory Services, Illumina
Classification: Uncertain significance for Early-onset myopathy with fatal cardiomyopathy. Last evaluated: 2018-01-13. Review status: criteria provided, single submitter. Criteria: ICSL Variant Classification Criteria 13 December 2019. Collection method: clinical testing. Allele origin: germline.

Illumina Laboratory Services, Illumina
Classification: Likely benign for Myopathy, myofibrillar, 9, with early respiratory failure. Last evaluated: 2018-01-13. Review status: criteria provided, single submitter. Criteria: ICSL Variant Classification Criteria 13 December 2019. Collection method: clinical testing. Allele origin: germline.
Comment: This variant was observed in the ICSL laboratory as part of a predisposition screen in an ostensibly healthy population. It had not been previously curated by ICSL or reported in the Human Gene Mutation Database (HGMD: prior to June 1st, 2018), and was therefore a candidate for classification through an automated scoring system. Utilizing variant allele frequency, disease prevalence and penetrance estimates, and inheritance mode, an automated score was calculated to assess if this variant is too frequent to cause the disease. Based on the score and internal cut-off values, a variant classified as likely benign is not then subjected to further curation. The score for this variant resulted in a classification of likely benign for this disease.

Illumina Laboratory Services, Illumina
Classification: Likely benign for Tibial muscular dystrophy. Last evaluated: 2018-01-13. Review status: criteria provided, single submitter. Criteria: ICSL Variant Classification Criteria 13 December 2019. Collection method: clinical testing. Allele origin: germline.
Comment: the same text as in the submission from Illumina Laboratory Services, Illumina above.

Illumina Laboratory Services, Illumina
Classification: Uncertain significance for Dilated cardiomyopathy 1G. Last evaluated: 2018-01-13. Review status: criteria provided, single submitter. Criteria: ICSL Variant Classification Criteria 13 December 2019. Collection method: clinical testing. Allele origin: germline.

GeneDx
Classification: Benign. Last evaluated: 2015-11-16. Review status: criteria provided, single submitter. Criteria: GeneDx Variant Classification (06012015). Collection method: clinical testing. Allele origin: germline. Affected: yes.
Comment: This variant is considered likely benign or benign based on one or more of the following criteria: it is a conservative change, it occurs at a poorly conserved position in the protein, it is predicted to be benign by multiple in silico algorithms, and/or has population frequency not consistent with disease.

Clinical Genetics DNA and cytogenetics Diagnostics Lab, Erasmus MC, Erasmus Medical Center
Classification: Likely benign. Review status: no assertion criteria provided. Collection method: clinical testing. Allele origin: germline. Affected: yes. Study: VKGL Data-share Consensus. Not counted in ClinVar's aggregate classification.

Clinical Genetics, Academic Medical Center
Classification: Benign. Review status: no assertion criteria provided. Collection method: clinical testing. Allele origin: germline. Affected: yes. Study: VKGL Data-share Consensus. Not counted in ClinVar's aggregate classification.

Diagnostic Laboratory, Department of Genetics, University Medical Center Groningen
Classification: Likely benign. Review status: no assertion criteria provided. Collection method: clinical testing. Allele origin: germline. Affected: yes. Study: VKGL Data-share Consensus. Not counted in ClinVar's aggregate classification.

Joint Genome Diagnostic Labs from Nijmegen and Maastricht, Radboudumc and MUMC+
Classification: Likely benign. Review status: no assertion criteria provided. Collection method: clinical testing. Allele origin: germline. Affected: yes. Study: VKGL Data-share Consensus. Not counted in ClinVar's aggregate classification.

Laboratory of Diagnostic Genome Analysis, Leiden University Medical Center (LUMC)
Classification: Likely benign. Review status: no assertion criteria provided. Collection method: clinical testing. Allele origin: germline. Affected: yes. Study: VKGL Data-share Consensus. Not counted in ClinVar's aggregate classification.